The following is an entry in ClinVar:

ClinVar aggregate classification (germline): Uncertain significance (1 of 4 stars; one submission).

Submission:

Labcorp Genetics (formerly Invitae), Labcorp
Classification: Uncertain significance. Last evaluated: 2022-07-06. Review status: criteria provided, single submitter. Criteria: Invitae Variant Classification Sherloc (09022015). Collection method: clinical testing. Allele origin: germline.
Comment: This sequence change replaces methionine, which is neutral and non-polar, with leucine, which is neutral and non-polar, at codon 1677 of the CAD protein (p.Met1677Leu). This variant is not present in population databases (gnomAD no frequency). This variant has not been reported in the literature in individuals affected with CAD-related conditions. ClinVar contains an entry for this variant (Variation ID: 1418916). Algorithms developed to predict the effect of missense changes on protein structure and function output the following: SIFT: "Tolerated"; PolyPhen-2: "Benign"; Align-GVGD: "Class C0". The leucine amino acid residue is found in multiple mammalian species, which suggests that this missense change does not adversely affect protein function. In summary, the available evidence is currently insufficient to determine the role of this variant in disease. Therefore, it has been classified as a Variant of Uncertain Significance.

NM_004341.5(CAD):c.5029A>C (p.Met1677Leu)

Gene: CAD (carbamoyl-phosphate synthetase 2, aspartate transcarbamylase, and dihydroorotase; plus strand). Cytogenetic location: 2p23.3.
Variant type: single nucleotide variant.
Coding change: c.5029A>C on transcript NM_004341.5 (MANE Select); coding-DNA position 5029, A replaced by C.
Protein change: p.Met1677Leu; replaces methionine 1677 with leucine.
Molecular consequence: missense variant.
Genome position (GRCh38, 1-based): chr2:27,238,599, A>C. VCF-style: chr2-27238599-A-C. GRCh37 (hg19) VCF-style: chr2-27461467-A-C.
Other names: c.4840A>C, p.Met1614Leu (NM_001306079.2); short protein forms M1677L, M1614L.
Identifiers: ClinVar variation 1418916 (VCV001418916.5), dbSNP rs754686146, ClinGen allele CA44514995.